The following is an entry in ClinVar:

ClinVar aggregate classification (germline): Pathogenic. Review status: criteria provided, multiple submitters, no conflicts (2 of 4 stars). 3 submissions from 3 submitters: Pathogenic (2). 1 of the submissions does not count toward it. Last evaluated 2025-10-11.

Conditions:
Junctional epidermolysis bullosa gravis of Herlitz. Also called: EPIDERMOLYSIS BULLOSA, JUNCTIONAL 1B, SEVERE; Epidermolysis Bullosa Letalis; Herlitz-type junctional epidermolysis bullosa; EPIDERMOLYSIS BULLOSA JUNCTIONALIS, HERLITZ TYPE; EPIDERMOLYSIS BULLOSA, JUNCTIONAL, HERLITZ-PEARSON TYPE; JEB-HERLITZ TYPE. Identifiers: Orphanet 79404, MedGen C0079683, MONDO:0009182, OMIM 226700.
LAMA3-related disorder. Also called: LAMA3-related disorders; LAMA3-related condition.

Allele frequency attached by ClinVar (database versions not stated): gnomAD exomes below 0.00001; TOPMed below 0.00001; gnomAD 0.00001.
gnomAD v4.1: 26 of 1,614,000 alleles (0.0016%); highest among the groups gnomAD compares: Non-Finnish European, 0.0022%; no homozygotes.

Submissions (3):

PreventionGenetics, part of Exact Sciences
Classification: Pathogenic for LAMA3-related condition. Last evaluated: 2025-10-11. Review status: criteria provided, single submitter. Criteria: ACMG Guidelines, 2015. Collection method: clinical testing. Allele origin: germline.
Comment: The LAMA3 c.4684+1G>A variant is predicted to disrupt the GT donor site and interfere with normal splicing. This variant, also known in the literature as c.4651+1G>A, has been reported in the compound heterozygous (Patient 27 in Nakano et al. 2002. PubMed ID: 11810295; Gostynska et al. 2017. PubMed ID: 27827380) and heterozygous states (Figueira et al. 2007. PubMed ID: 17362460; Gostynska et al. 2017. PubMed ID: 27827380) in individuals with junctional epidermolysis bullosa (JEB). This variant is reported in 0.00088% of alleles in individuals of European (Non-Finnish) descent in gnomAD. Variants that disrupt the consensus splice donor site in LAMA3 are expected to be pathogenic. This variant is interpreted as pathogenic.

Women's Health and Genetics/Laboratory Corporation of America, LabCorp
Classification: Pathogenic for Junctional epidermolysis bullosa gravis of Herlitz. Last evaluated: 2017-09-18. Review status: criteria provided, single submitter. Criteria: LabCorp Variant Classification Summary - May 2015. Collection method: clinical testing. Allele origin: germline.
Comment: Variant summary: The LAMA3 c.4684+1G>A variant (also known as 4651+1G>A) involves the alteration of a conserved intronic nucleotide. One in silico tool predicts a damaging outcome for this variant. 4/5 splice prediction tools predict the complete loss of a canonical splice donor site. These predictions have been confirmed by immunoblotting of cell lysates from cultured keratinocytes derived from a patient showing the amount of chain expressed by the patient was <2% of normal (Gostynska_2017). This variant was found in 1/246262 control chromosomes at a frequency of 0.0000041, which does not exceed the estimated maximal expected allele frequency of a pathogenic LAMA3 variant (0.0004523). In addition, the variant has been reported in multiple affected individuals in the literature. Taken together, this variant is classified as pathogenic.

Counsyl
Classification: Pathogenic for Junctional epidermolysis bullosa gravis of Herlitz. Last evaluated: 2017-05-24. Review status: no assertion criteria provided. Collection method: clinical testing. Allele origin: unknown. Not counted in ClinVar's aggregate classification.

Literature cited by the submitters: PubMed 16971478 (cited by Women's Health and Genetics/Laboratory Corporation of America, LabCorp); PubMed 11810295 (cited by Women's Health and Genetics/Laboratory Corporation of America, LabCorp and Counsyl); PubMed 27827380 (cited by Women's Health and Genetics/Laboratory Corporation of America, LabCorp); PubMed 17362460 (cited by Women's Health and Genetics/Laboratory Corporation of America, LabCorp and Counsyl).

NM_198129.4(LAMA3):c.9511+1G>A

Gene: LAMA3 (laminin subunit alpha 3; plus strand). Cytogenetic location: 18q11.2.
Variant type: single nucleotide variant.
Coding change: c.9511+1G>A on transcript NM_198129.4 (MANE Select); the canonical splice donor site of the intron after coding-DNA position 9511, G replaced by A.
Molecular consequence: splice donor variant.
Genome position (GRCh38, 1-based): chr18:23,949,925, G>A. VCF-style: chr18-23949925-G-A. GRCh37 (hg19) VCF-style: chr18-21529889-G-A.
Other names: c.9343+1G>A (NM_001127717.4); c.4684+1G>A (NM_000227.6); c.4516+1G>A (NM_001127718.4).
Identifiers: ClinVar variation 552174 (VCV000552174.4), dbSNP rs1296034886, ClinGen allele CA402051858.